The following is an entry in ClinVar:

ClinVar aggregate classification (germline): Uncertain significance (1 of 4 stars; one submission).

gnomAD v4.1: 4 of 1,608,580 alleles (0.00025%); highest among the groups gnomAD compares: Non-Finnish European, 0.00017%; no homozygotes.

Submission:

Labcorp Genetics (formerly Invitae), Labcorp
Classification: Uncertain significance. Last evaluated: 2025-02-08. Review status: criteria provided, single submitter. Criteria: Invitae Variant Classification Sherloc (09022015). Collection method: clinical testing. Allele origin: germline.
Comment: This sequence change replaces arginine, which is basic and polar, with serine, which is neutral and polar, at codon 362 of the CLCN7 protein (p.Arg362Ser). This variant is not present in population databases (gnomAD no frequency). This variant has not been reported in the literature in individuals affected with CLCN7-related conditions. ClinVar contains an entry for this variant (Variation ID: 1915598). Invitae Evidence Modeling of protein sequence and biophysical properties (such as structural, functional, and spatial information, amino acid conservation, physicochemical variation, residue mobility, and thermodynamic stability) indicates that this missense variant is not expected to disrupt CLCN7 protein function with a negative predictive value of 95%. In summary, the available evidence is currently insufficient to determine the role of this variant in disease. Therefore, it has been classified as a Variant of Uncertain Significance.

NM_001287.6(CLCN7):c.1086G>C (p.Arg362Ser)

Gene: CLCN7 (chloride voltage-gated channel 7; minus strand). Cytogenetic location: 16p13.3.
Variant type: single nucleotide variant.
Coding change: c.1086G>C on transcript NM_001287.6 (MANE Select); coding-DNA position 1086, G replaced by C.
Protein change: p.Arg362Ser; replaces arginine 362 with serine.
Molecular consequence: missense variant.
Genome position (GRCh38, 1-based): chr16:1,455,146, C>G on the plus strand (G>C on the coding strand, the complement: CLCN7 is on the minus strand). VCF-style: chr16-1455146-C-G. GRCh37 (hg19) VCF-style: chr16-1505147-C-G.
Other names: c.1014G>C, p.Arg338Ser (NM_001114331.3); short protein forms R338S, R362S.
Identifiers: ClinVar variation 1915598 (VCV001915598.5), dbSNP rs1417740247, ClinGen allele CA394189694.